The following is an entry in ClinVar:

NM_152888.3(COL22A1):c.1890C>T (p.Pro630=)

Gene: COL22A1 (collagen type XXII alpha 1 chain; minus strand). Cytogenetic location: 8q24.23.
Variant type: single nucleotide variant.
Coding change: c.1890C>T on transcript NM_152888.3 (MANE Select); coding-DNA position 1890, C replaced by T.
Protein change: p.Pro630=; no amino-acid change (proline 630 retained).
Molecular consequence: synonymous variant.
Genome position (GRCh38, 1-based): chr8:138,760,255, G>A on the plus strand (C>T on the coding strand, the complement: COL22A1 is on the minus strand). VCF-style: chr8-138760255-G-A. GRCh37 (hg19) VCF-style: chr8-139772498-G-A.
Identifiers: ClinVar variation 3389191 (VCV003389191.14).

ClinVar aggregate classification (germline): Likely benign (1 of 4 stars; one submission).

gnomAD v4.1: 128 of 1,589,960 alleles (0.0081%); highest among the groups gnomAD compares: Non-Finnish European, 0.01%; no homozygotes.

Submission:

CeGaT Center for Human Genetics Tuebingen
Classification: Likely benign. Last evaluated: 2024-10-01. Review status: criteria provided, single submitter. Criteria: CeGaT Center For Human Genetics Tuebingen Variant Classification Criteria Version 2. Collection method: clinical testing. Allele origin: germline. Affected: yes. Observed: 1 variant allele.
Comment: COL22A1: BP4, BP7